The following is an entry in ClinVar:

NM_001371904.1(APOA5):c.802G>A (p.Glu268Lys)

Gene: APOA5 (apolipoprotein A5; minus strand). Cytogenetic location: 11q23.3.
Variant type: single nucleotide variant.
Coding change: c.802G>A on transcript NM_001371904.1 (MANE Select); coding-DNA position 802, G replaced by A.
Protein change: p.Glu268Lys; replaces glutamic acid 268 with lysine.
Molecular consequence: missense variant.
Genome position (GRCh38, 1-based): chr11:116,790,427, C>T on the plus strand (G>A on the coding strand, the complement: APOA5 is on the minus strand). VCF-style: chr11-116790427-C-T. GRCh37 (hg19) VCF-style: chr11-116661143-C-T.
Other names: c.802G>A, p.Glu268Lys (NM_001166598.2, NM_052968.5); short protein forms E268K.
Identifiers: ClinVar variation 2624862 (VCV002624862.5), dbSNP rs574363219, ClinGen allele CA6288992.

ClinVar aggregate classification (germline): Conflicting classifications of pathogenicity. Review status: criteria provided, conflicting classifications (1 of 4 stars). 3 submissions from 3 submitters: Uncertain significance (2); Likely benign (1). Last evaluated 2025-06-20.

Conditions:
Cardiovascular phenotype. Identifiers: MedGen CN230736.

Allele frequency attached by ClinVar (database versions not stated): gnomAD 0.00002; gnomAD exomes 0.00005; ExAC 0.00018; 1000 Genomes Project 0.00060; 1000 Genomes Project 30x 0.00062.
gnomAD v4.1: 82 of 1,606,046 alleles (0.0051%); highest among the groups gnomAD compares: South Asian, 0.083%; 4 homozygotes.

Submissions (3):

Women's Health and Genetics/Laboratory Corporation of America, LabCorp
Classification: Likely benign. Last evaluated: 2025-06-20. Review status: criteria provided, single submitter. Criteria: LabCorp Variant Classification Summary - May 2015. Collection method: clinical testing. Allele origin: germline.

Labcorp Genetics (formerly Invitae), Labcorp
Classification: Uncertain significance. Last evaluated: 2024-09-18. Review status: criteria provided, single submitter. Criteria: Invitae Variant Classification Sherloc (09022015). Collection method: clinical testing. Allele origin: germline.
Comment: This sequence change replaces glutamic acid, which is acidic and polar, with lysine, which is basic and polar, at codon 268 of the APOA5 protein (p.Glu268Lys). This variant is present in population databases (rs574363219, gnomAD 0.1%). This missense change has been observed in individual(s) with dyslipidemia (PMID: 36325899). ClinVar contains an entry for this variant (Variation ID: 2624862). An algorithm developed to predict the effect of missense changes on protein structure and function (PolyPhen-2) suggests that this variant is likely to be tolerated. In summary, the available evidence is currently insufficient to determine the role of this variant in disease. Therefore, it has been classified as a Variant of Uncertain Significance.

Ambry Genetics
Classification: Uncertain significance for Cardiovascular phenotype. Last evaluated: 2023-09-07. Review status: criteria provided, single submitter. Criteria: Ambry Variant Classification Scheme 2023. Collection method: clinical testing. Allele origin: germline.
Comment: The p.E268K variant (also known as c.802G>A), located in coding exon 3 of the APOA5 gene, results from a G to A substitution at nucleotide position 802. The glutamic acid at codon 268 is replaced by lysine, an amino acid with similar properties. This amino acid position is conserved. In addition, this alteration is predicted to be tolerated by in silico analysis. Since supporting evidence is limited at this time, the clinical significance of this alteration remains unclear.

Literature cited by the submitters: PubMed 36325899 (cited by Labcorp Genetics (formerly Invitae), Labcorp).